The following is an entry in ClinVar:

NM_001360.3(DHCR7):c.803del (p.Asn268fs)

Gene: DHCR7 (7-dehydrocholesterol reductase; minus strand). Cytogenetic location: 11q13.4.
Variant type: Deletion.
Coding change: c.803del on transcript NM_001360.3 (MANE Select); coding-DNA position 803, one base deleted (A; older notation c.803delA).
Protein change: p.Asn268fs; shifts the reading frame from asparagine 268.
Molecular consequence: frameshift variant.
Genome position (GRCh38, 1-based): chr11:71,438,907, T deleted on the plus strand (A on the coding strand, the reverse complement: DHCR7 is on the minus strand); the first of 2 consecutive T bases (chr11:71,438,907-71,438,908); deleting either gives the same sequence. VCF-style (leftmost placement, unchanged base first): chr11-71438906-AT-A. GRCh37 (hg19) VCF-style: chr11-71149952-AT-A.
Other names: c.803delA (NM_001360.2); c.803del, p.Asn268fs (NM_001163817.2); short protein forms N268fs.
Identifiers: ClinVar variation 552228 (VCV000552228.11), dbSNP rs1555146023, ClinGen allele CA658823157.
Genomic context (GRCh38, chr11:71,438,906, plus strand): 5'-CGGCGTTTCACCCTCTCCAGCCATGACAGGCACCTGCAGGACGTTGACCAGGACCATGGC[AT>A]TGGTCACATGGCTGTGGAGCTCCCGCTGCTTCGCTGCGAAGGACAGGTTGATGAGGGTCC-3'

ClinVar aggregate classification (germline): Pathogenic/Likely pathogenic. Review status: criteria provided, multiple submitters, no conflicts (2 of 4 stars). 5 submissions from 5 submitters: Pathogenic (2); Likely pathogenic (2). 1 of the submissions does not count toward it. Last evaluated 2024-12-03.

Conditions:
Smith-Lemli-Opitz syndrome (SLOS). Also called: 7-Dehydrocholesterol reductase deficiency; LETHAL ACRODYSGENITAL SYNDROME; POLYDACTYLY, SEX REVERSAL, RENAL HYPOPLASIA, AND UNILOBAR LUNG; RSH SYNDROME; RUTLEDGE LETHAL MULTIPLE CONGENITAL ANOMALY SYNDROME. Identifiers: Orphanet 818, MedGen C0175694, MONDO:0010035, OMIM 270400.

Submissions (5):

Natera, Inc.
Classification: Likely pathogenic for Smith-Lemli-Opitz syndrome. Last evaluated: 2024-12-03. Review status: criteria provided, single submitter. Criteria: Natera Variant Classification Schema (03/2026). Collection method: clinical testing. Allele origin: germline.
Comment: The c.803delA variant in DHCR7 is a frameshift variant predicted to shift the reading frame beginning at codon 268 and leads to a stop codon 14 codons downstream. This variant is expected to result in nonsense mediated decay, truncation, or a dysfunctional protein product. This variant is rare in the general population with a frequency below the threshold expected for the associated phenotype(s). Given the available evidence, this variant is classified as Likely Pathogenic.

Fulgent Genetics
Classification: Likely pathogenic for Smith-Lemli-Opitz syndrome. Last evaluated: 2024-03-22. Review status: criteria provided, single submitter. Criteria: ACMG Guidelines, 2015. Collection method: clinical testing. Allele origin: germline.

Labcorp Genetics (formerly Invitae), Labcorp
Classification: Pathogenic for Smith-Lemli-Opitz syndrome. Last evaluated: 2024-02-05. Review status: criteria provided, single submitter. Criteria: Invitae Variant Classification Sherloc (09022015). Collection method: clinical testing. Allele origin: germline.
Comment: This sequence change creates a premature translational stop signal (p.Asn268Metfs*14) in the DHCR7 gene. It is expected to result in an absent or disrupted protein product. Loss-of-function variants in DHCR7 are known to be pathogenic (PMID: 9634533, 10677299). This variant is not present in population databases (gnomAD no frequency). This variant has not been reported in the literature in individuals affected with DHCR7-related conditions. ClinVar contains an entry for this variant (Variation ID: 552228). Algorithms developed to predict the effect of sequence changes on RNA splicing suggest that this variant may disrupt the consensus splice site. For these reasons, this variant has been classified as Pathogenic.

Department of Pathology and Laboratory Medicine, Sinai Health System
Classification: Pathogenic for Smith-Lemli-Opitz syndrome. Last evaluated: 2022-12-31. Review status: criteria provided, single submitter. Criteria: ACMG Guidelines, 2015. Collection method: research. Allele origin: germline.

Counsyl
Classification: Likely pathogenic for Smith-Lemli-Opitz syndrome. Last evaluated: 2017-05-31. Review status: no assertion criteria provided. Collection method: clinical testing. Allele origin: unknown. Not counted in ClinVar's aggregate classification.

Literature cited by the submitters: PubMed 9634533 (cited by Labcorp Genetics (formerly Invitae), Labcorp); PubMed 10677299 (cited by Labcorp Genetics (formerly Invitae), Labcorp).